The following is an entry in ClinVar:

ClinVar aggregate classification (germline): Conflicting classifications of pathogenicity. Review status: criteria provided, conflicting classifications (1 of 4 stars). 5 submissions from 5 submitters: Uncertain significance (2); Likely benign (3). Last evaluated 2025-11-18.

Conditions:
Long QT syndrome (LQTS). Identifiers: MedGen C0023976, MeSH D008133, MONDO:0002442. Disease mechanism: loss of function. Inheritance: Various modes of inheritance.
AKAP9-related disorder. Also called: AKAP9-related condition.
Cardiovascular phenotype. Identifiers: MedGen CN230736.
Long QT syndrome 11 (LQT11). Identifiers: Orphanet 101016, Orphanet 768, MedGen C2678483, MONDO:0012738, OMIM 611820.

Allele frequency attached by ClinVar (database versions not stated): gnomAD exomes 0.00004 and 0.00005; ExAC 0.00005; TOPMed 0.00005; gnomAD 0.00008 and 0.00009; ESP Exome Variant Server 0.00015.
gnomAD v4.1: 89 of 1,612,732 alleles (0.0055%); highest among the groups gnomAD compares: Admixed American, 0.01%; 1 homozygote.

Submissions (5):

Labcorp Genetics (formerly Invitae), Labcorp
Classification: Uncertain significance for Long QT syndrome. Last evaluated: 2025-11-18. Review status: criteria provided, single submitter. Criteria: Invitae Variant Classification Sherloc (09022015). Collection method: clinical testing. Allele origin: germline.
Comment: This sequence change replaces glutamine, which is neutral and polar, with arginine, which is basic and polar, at codon 2823 of the AKAP9 protein (p.Gln2823Arg). This variant is present in population databases (rs376528503, gnomAD 0.01%). This missense change has been observed in individual(s) with clinical features of AKAP9-related conditions (PMID: 30847666). ClinVar contains an entry for this variant (Variation ID: 810858). An algorithm developed to predict the effect of missense changes on protein structure and function outputs the following: PolyPhen-2: "Benign". The arginine amino acid residue is found in multiple mammalian species, which suggests that this missense change does not adversely affect protein function. In summary, the available evidence is currently insufficient to determine the role of this variant in disease. Therefore, it has been classified as a Variant of Uncertain Significance.

PreventionGenetics, part of Exact Sciences
Classification: Uncertain significance for AKAP9-related condition. Last evaluated: 2025-03-26. Review status: criteria provided, single submitter. Criteria: ACMG Guidelines, 2015. Collection method: clinical testing. Allele origin: germline.
Comment: The AKAP9 c.8468A>G variant is predicted to result in the amino acid substitution p.Gln2823Arg. This variant has been reported as a variant of uncertain significance in an individual with unspecified arrhythmia (Supplementary file 2, van Lint et al. 2019. PubMed ID: 30847666). This variant is reported in 0.0057% of alleles in individuals of Latino descent in gnomAD. At this time, the clinical significance of this variant is uncertain due to the absence of conclusive functional and genetic evidence.

Ambry Genetics
Classification: Likely benign for Cardiovascular phenotype. Last evaluated: 2024-12-11. Review status: criteria provided, single submitter. Criteria: Ambry Variant Classification Scheme 2023. Collection method: clinical testing. Allele origin: germline.

Blueprint Genetics
Classification: Likely benign. Last evaluated: 2024-07-29. Review status: criteria provided, single submitter. Criteria: ACMG Guidelines, 2015. Collection method: clinical testing. Allele origin: germline.

ARUP Laboratories, Molecular Genetics and Genomics, ARUP Laboratories
Classification: Likely benign for Long QT syndrome 11. Last evaluated: 2018-10-01. Review status: criteria provided, single submitter. Criteria: ARUP Molecular Germline Variant Investigation Process. Collection method: clinical testing. Allele origin: germline.

Literature cited by the submitters: PubMed 30847666 (cited by Labcorp Genetics (formerly Invitae), Labcorp and Ambry Genetics).

NM_005751.5(AKAP9):c.8468A>G (p.Gln2823Arg)

Gene: AKAP9 (A-kinase anchoring protein 9; plus strand). Cytogenetic location: 7q21.2.
Variant type: single nucleotide variant.
Coding change: c.8468A>G on transcript NM_005751.5 (MANE Select); coding-DNA position 8468, A replaced by G.
Protein change: p.Gln2823Arg; replaces glutamine 2823 with arginine.
Molecular consequence: missense variant.
Genome position (GRCh38, 1-based): chr7:92,083,477, A>G. VCF-style: chr7-92083477-A-G. GRCh37 (hg19) VCF-style: chr7-91712791-A-G.
Other names: c.3113A>G, p.Gln1038Arg (NM_001379277.1); c.8444A>G, p.Gln2815Arg (NM_147185.3); short protein forms Q2815R, Q2823R, Q1038R.
Identifiers: ClinVar variation 810858 (VCV000810858.19), dbSNP rs376528503, ClinGen allele CA4337485.
Genomic context (GRCh38, chr7:92,083,477, plus strand): 5'-GAATACAAATTAATTTACAGAGTGAATGTTCCTCAGAAGAAGTTACTGAAATAATCAGTC[A>G]GTTTACTGAAAAAATTGAGAAGATGCAAGAACTACATGCTGCTGAAATTTTGGACATGGA-3'
Protein context (NP_005742.4, residues 2813-2833): SSEEVTEIIS[Gln2823Arg]FTEKIEKMQE